The following is an entry in ClinVar:

ClinVar aggregate classification (germline): Uncertain significance (1 of 4 stars; one submission).

Conditions:
Malignant hyperthermia, susceptibility to, 5 (MHS5). Also called: CACNA1S-Related Malignant Hyperthermia Susceptibility. Identifiers: Orphanet 423, MedGen C1866077, MONDO:0011163, OMIM 601887.

Submission:

All of Us Research Program, National Institutes of Health
Classification: Uncertain significance for Malignant hyperthermia, susceptibility to, 5. Last evaluated: 2024-07-10. Review status: criteria provided, single submitter. Criteria: ACMG Guidelines, 2015. Collection method: clinical testing. Allele origin: germline. Inheritance: Autosomal dominant inheritance. Observed: 1 variant allele, 1 heterozygote.
Comment: This variant causes a G to C nucleotide substitution at the +4 position of intron 37 of the CACNA1S gene. To our knowledge, functional studies have not been reported for this variant. This variant has not been reported in individuals affected with CACNA1S-related disorders in the literature. This variant has not been identified in the general population by the Genome Aggregation Database (gnomAD). The available evidence is insufficient to determine the role of this variant in disease conclusively. Therefore, this variant is classified as a Variant of Uncertain Significance.

This study involves interpretation of variants in research participants for the purpose of population health screening. Participant phenotype was not available at the time of variant classification. Additional details can be found in publication PMID: 35346344, PMCID: PMC8962531

NM_000069.3(CACNA1S):c.4543+4G>C

Gene: CACNA1S (calcium voltage-gated channel subunit alpha1 S; minus strand). Cytogenetic location: 1q32.1.
Variant type: single nucleotide variant.
Coding change: c.4543+4G>C on transcript NM_000069.3 (MANE Select); 4 bases into the intron after coding-DNA position 4543, G replaced by C.
Molecular consequence: intron variant.
Genome position (GRCh38, 1-based): chr1:201,047,521, C>G on the plus strand (G>C on the coding strand, the complement: CACNA1S is on the minus strand). VCF-style: chr1-201047521-C-G. GRCh37 (hg19) VCF-style: chr1-201016649-C-G.
Identifiers: ClinVar variation 3386297 (VCV003386297.1).